The following is an entry in ClinVar:

ClinVar aggregate classification (germline): Uncertain significance (1 of 4 stars; one submission).

Conditions:
Inborn genetic diseases. Identifiers: MedGen C0950123, MeSH D030342.

Submission:

Ambry Genetics
Classification: Uncertain significance for Inborn genetic diseases. Last evaluated: 2025-11-04. Review status: criteria provided, single submitter. Criteria: Ambry Variant Classification Scheme 2023. Collection method: clinical testing. Allele origin: germline.
Comment: The p.E1082K variant (also known as c.3244G>A), located in coding exon 15 of the MECOM gene, results from a G to A substitution at nucleotide position 3244. The glutamic acid at codon 1082 is replaced by lysine, an amino acid with similar properties. This amino acid position is conserved. In addition, this alteration is predicted to be tolerated by in silico analysis. Based on the available evidence, the clinical significance of this variant remains unclear.

NM_004991.4(MECOM):c.3244G>A (p.Glu1082Lys)

Gene: MECOM (MDS1 and EVI1 complex locus; minus strand). Cytogenetic location: 3q26.2.
Variant type: single nucleotide variant.
Coding change: c.3244G>A on transcript NM_004991.4 (MANE Select); coding-DNA position 3244, G replaced by A.
Protein change: p.Glu1082Lys; replaces glutamic acid 1082 with lysine.
Molecular consequence: missense variant.
Genome position (GRCh38, 1-based): chr3:169,090,157, C>T on the plus strand (G>A on the coding strand, the complement: MECOM is on the minus strand). VCF-style: chr3-169090157-C-T. GRCh37 (hg19) VCF-style: chr3-168807945-C-T.
Other names: c.2875G>A, p.Glu959Lys (NM_001105077.4); c.2680G>A, p.Glu894Lys (NM_001105078.4, NM_001205194.2, NM_001366469.2 and 1 more transcripts); c.2656G>A, p.Glu886Lys (NM_001163999.2, NM_001366470.2); c.2653G>A, p.Glu885Lys (NM_001164000.2, NM_001366471.2, NM_001366472.2); c.3217G>A, p.Glu1073Lys (NM_001366466.2); c.2683G>A, p.Glu895Lys (NM_001366467.2, NM_001366468.2); c.2245G>A, p.Glu749Lys (NM_001366473.2); c.1681G>A, p.Glu561Lys (NM_001366474.2); short protein forms E885K, E1073K, E561K, E894K, E895K, E959K, E1082K, E749K.
Identifiers: ClinVar variation 4624682 (VCV004624682.1).